The following is an entry in ClinVar:

NM_006031.6(PCNT):c.7464C>T (p.Leu2488=)

Gene: PCNT (pericentrin; plus strand). Cytogenetic location: 21q22.3.
Variant type: single nucleotide variant.
Coding change: c.7464C>T on transcript NM_006031.6 (MANE Select); coding-DNA position 7464, C replaced by T.
Protein change: p.Leu2488=; no amino-acid change (leucine 2488 retained).
Molecular consequence: synonymous variant.
Genome position (GRCh38, 1-based): chr21:46,427,765, C>T. VCF-style: chr21-46427765-C-T. GRCh37 (hg19) VCF-style: chr21-47847679-C-T.
Other names: c.7110C>T, p.Leu2370= (NM_001315529.2); c.7464C>T (NM_006031.5).
Identifiers: ClinVar variation 2970871 (VCV002970871.4), dbSNP rs572321857, ClinGen allele CA10080656.

ClinVar aggregate classification (germline): Likely benign. Review status: criteria provided, single submitter (1 of 4 stars). 2 submissions from 2 submitters: Likely benign (1). 1 of the submissions does not count toward it. Last evaluated 2024-01-04.

Conditions:
PCNT-related disorder. Also called: PCNT-related condition.

Allele frequency attached by ClinVar (database versions not stated): 1000 Genomes Project 30x 0.00016; 1000 Genomes Project 0.00020.
gnomAD v4.1: 8 of 1,613,632 alleles (0.0005%); highest among the groups gnomAD compares: African/African-American, 0.004%; no homozygotes.

Submissions (2):

Labcorp Genetics (formerly Invitae), Labcorp
Classification: Likely benign. Last evaluated: 2024-01-04. Review status: criteria provided, single submitter. Criteria: Invitae Variant Classification Sherloc (09022015). Collection method: clinical testing. Allele origin: germline.

PreventionGenetics, part of Exact Sciences
Classification: Likely benign for PCNT-related condition. Last evaluated: 2023-02-28. Review status: no assertion criteria provided. Collection method: clinical testing. Allele origin: germline. Not counted in ClinVar's aggregate classification.
Comment: This variant is classified as likely benign based on ACMG/AMP sequence variant interpretation guidelines (Richards et al. 2015 PMID: 25741868, with internal and published modifications).